The following is an entry in ClinVar:

ClinVar aggregate classification (germline): Uncertain significance (1 of 4 stars; one submission).

Conditions:
Cardiovascular phenotype. Identifiers: MedGen CN230736.

Allele frequency attached by ClinVar (database versions not stated): ExAC 0.00001; gnomAD 0.00003; TOPMed 0.00003.
gnomAD v4.1: 16 of 1,607,220 alleles (0.001%); highest among the groups gnomAD compares: African/African-American, 0.0093%; no homozygotes.

Submission:

Ambry Genetics
Classification: Uncertain significance for Cardiovascular phenotype. Last evaluated: 2021-08-10. Review status: criteria provided, single submitter. Criteria: Ambry Variant Classification Scheme 2023. Collection method: clinical testing. Allele origin: germline.
Comment: The p.E61K variant (also known as c.181G>A), located in coding exon 1 of the TNXB gene, results from a G to A substitution at nucleotide position 181. The glutamic acid at codon 61 is replaced by lysine, an amino acid with similar properties. This amino acid position is conserved. In addition, the in silico prediction for this alteration is inconclusive. Since supporting evidence is limited at this time, the clinical significance of this alteration remains unclear.

NM_001365276.2(TNXB):c.181G>A (p.Glu61Lys)

Gene: TNXB (tenascin XB; minus strand). Cytogenetic location: 6p21.33.
Variant type: single nucleotide variant.
Coding change: c.181G>A on transcript NM_001365276.2 (MANE Select); coding-DNA position 181, G replaced by A.
Protein change: p.Glu61Lys; replaces glutamic acid 61 with lysine.
Molecular consequence: missense variant.
Genome position (GRCh38, 1-based): chr6:32,098,018, C>T on the plus strand (G>A on the coding strand, the complement: TNXB is on the minus strand). VCF-style: chr6-32098018-C-T. GRCh37 (hg19) VCF-style: chr6-32065795-C-T.
Other names: c.181G>A, p.Glu61Lys (NM_019105.8); short protein forms E61K.
Identifiers: ClinVar variation 1780743 (VCV001780743.2), dbSNP rs747748846, ClinGen allele CA3735894.